The following is an entry in ClinVar:

ClinVar aggregate classification (germline): Uncertain significance (1 of 4 stars; one submission).

Submission:

GeneDx
Classification: Uncertain significance. Last evaluated: 2026-01-26. Review status: criteria provided, single submitter. Criteria: GeneDx Variant Classification Process June 2021. Collection method: clinical testing. Allele origin: germline.
Comment: Not observed at significant frequency in large population cohorts (gnomAD); In silico analysis supports that this missense variant has a deleterious effect on protein structure/function; Has not been previously published as pathogenic or benign to our knowledge

NM_003590.5(CUL3):c.1136A>G (p.Asn379Ser)

Gene: CUL3 (cullin 3; minus strand). Cytogenetic location: 2q36.2.
Variant type: single nucleotide variant.
Coding change: c.1136A>G on transcript NM_003590.5 (MANE Select); coding-DNA position 1136, A replaced by G.
Protein change: p.Asn379Ser; replaces asparagine 379 with serine.
Molecular consequence: missense variant.
Genome position (GRCh38, 1-based): chr2:224,506,026, T>C on the plus strand (A>G on the coding strand, the complement: CUL3 is on the minus strand). VCF-style: chr2-224506026-T-C. GRCh37 (hg19) VCF-style: chr2-225370743-T-C.
Other names: c.938A>G, p.Asn313Ser (NM_001257197.2); c.1154A>G, p.Asn385Ser (NM_001257198.2); short protein forms N313S, N379S, N385S.
Identifiers: ClinVar variation 4083451 (VCV004083451.2).